The following is an entry in ClinVar:

ClinVar aggregate classification (germline): Uncertain significance (1 of 4 stars; one submission).

Conditions:
Familial hypocalciuric hypercalcemia (FHH). Also called: Familial benign hypercalcemia. Identifiers: Orphanet 405, MedGen C1809471, MONDO:0018458.
Autosomal dominant hypocalcemia 1 (HYPOC1). Also called: HYPOCALCEMIA, FAMILIAL. Identifiers: MedGen C3715128, MONDO:0011013, OMIM 601198.

Submission:

Labcorp Genetics (formerly Invitae), Labcorp
Classification: Uncertain significance for Familial hypocalciuric hypercalcemia; Autosomal dominant hypocalcemia 1. Last evaluated: 2023-03-04. Review status: criteria provided, single submitter. Criteria: Invitae Variant Classification Sherloc (09022015). Collection method: clinical testing. Allele origin: germline.
Comment: Algorithms developed to predict the effect of missense changes on protein structure and function output the following: SIFT: "Not Available"; PolyPhen-2: "Benign"; Align-GVGD: "Not Available". The arginine amino acid residue is found in multiple mammalian species, which suggests that this missense change does not adversely affect protein function. This variant has not been reported in the literature in individuals affected with CASR-related conditions. This variant is not present in population databases (gnomAD no frequency). This sequence change replaces glycine, which is neutral and non-polar, with arginine, which is basic and polar, at codon 1034 of the CASR protein (p.Gly1034Arg). In summary, the available evidence is currently insufficient to determine the role of this variant in disease. Therefore, it has been classified as a Variant of Uncertain Significance.

NM_000388.4(CASR):c.3100G>A (p.Gly1034Arg)

Gene: CASR (calcium sensing receptor; plus strand). Cytogenetic location: 3q21.1.
Variant type: single nucleotide variant.
Coding change: c.3100G>A on transcript NM_000388.4 (MANE Select); coding-DNA position 3100, G replaced by A.
Protein change: p.Gly1034Arg; replaces glycine 1034 with arginine.
Molecular consequence: missense variant.
Genome position (GRCh38, 1-based): chr3:122,285,054, G>A. VCF-style: chr3-122285054-G-A. GRCh37 (hg19) VCF-style: chr3-122003901-G-A.
Other names: c.3130G>A, p.Gly1044Arg (NM_001178065.2); short protein forms G1034R, G1044R.
Identifiers: ClinVar variation 2938911 (VCV002938911.3), dbSNP rs2473283729, ClinGen allele CA354161434.